The following is an entry in ClinVar:

NM_016616.5(NME8):c.1277T>A (p.Leu426Ter)

Gene: NME8 (NME/NM23 family member 8; plus strand). Cytogenetic location: 7p14.1.
Variant type: single nucleotide variant.
Coding change: c.1277T>A on transcript NM_016616.5 (MANE Select); coding-DNA position 1277, T replaced by A.
Protein change: p.Leu426Ter; replaces leucine 426 with a stop codon.
Molecular consequence: nonsense.
Genome position (GRCh38, 1-based): chr7:37,888,306, T>A. VCF-style: chr7-37888306-T-A. GRCh37 (hg19) VCF-style: chr7-37927908-T-A.
Other names: short protein forms L426*.
Identifiers: ClinVar variation 3256 (VCV000003256.12), dbSNP rs121918300, ClinGen allele CA340053.

ClinVar aggregate classification (germline): Uncertain significance. Review status: criteria provided, multiple submitters, no conflicts (2 of 4 stars). 6 submissions from 6 submitters: Uncertain significance (3). 3 of the submissions do not count toward it. Last evaluated 2025-09-06.

Conditions:
NME8-related disorder. Also called: NME8-related condition.
Primary ciliary dyskinesia. Also called: Ciliary dyskinesia. Identifiers: Orphanet 244, MedGen C0008780, MONDO:0016575, HP:0012265.
Primary ciliary dyskinesia 6. Also called: Primary Ciliary Dyskinesia 6: TXNDC3-Related Primary Ciliary Dyskinesia. Identifiers: Orphanet 244, MedGen C1970506, MONDO:0012571, OMIM 610852.

Allele frequency attached by ClinVar (database versions not stated): gnomAD 0.00002 and 0.00003; TOPMed 0.00003; ExAC 0.00005; gnomAD exomes 0.00008.
gnomAD v4.1: 65 of 1,613,718 alleles (0.004%); highest among the groups gnomAD compares: Middle Eastern, 0.083%; no homozygotes.

Submissions (6):

Labcorp Genetics (formerly Invitae), Labcorp
Classification: Uncertain significance for Primary ciliary dyskinesia 6. Last evaluated: 2025-09-06. Review status: criteria provided, single submitter. Criteria: Invitae Variant Classification Sherloc (09022015). Collection method: clinical testing. Allele origin: germline.
Comment: This sequence change creates a premature translational stop signal (p.Leu426*) in the NME8 gene. It is expected to result in an absent or disrupted protein product. However, the current clinical and genetic evidence is not sufficient to establish whether loss-of-function variants in NME8 cause disease. This variant is present in population databases (rs121918300, gnomAD 0.04%). This variant has not been reported in the literature in individuals affected with NME8-related conditions. ClinVar contains an entry for this variant (Variation ID: 3256). In summary, the available evidence is currently insufficient to determine the role of this variant in disease. Therefore, it has been classified as a Variant of Uncertain Significance.

Blueprint Genetics
Classification: Uncertain significance. Last evaluated: 2024-10-16. Review status: criteria provided, single submitter. Criteria: ACMG Guidelines, 2015. Collection method: clinical testing. Allele origin: germline.

Ambry Genetics
Classification: Uncertain significance for Primary ciliary dyskinesia. Last evaluated: 2019-09-17. Review status: criteria provided, single submitter. Criteria: Ambry Variant Classification Scheme 2023. Collection method: clinical testing. Allele origin: germline.
Comment: The p.L426* variant (also known as c.1277T>A), located in coding exon 13 of the NME8 gene, results from a T to A substitution at nucleotide position 1277. This changes the amino acid from a leucine to a stop codon within coding exon 13. This alteration is expected to result in loss of function by premature protein truncation or nonsense-mediated mRNA decay. However, loss of function of NME8 has not been clearly established as a mechanism of disease. Since supporting evidence is limited at this time, the clinical significance of this alteration remains unclear.

PreventionGenetics, part of Exact Sciences
Classification: Uncertain significance for NME8-related condition. Last evaluated: 2023-10-20. Review status: no assertion criteria provided. Collection method: clinical testing. Allele origin: germline. Not counted in ClinVar's aggregate classification.
Comment: The NME8 c.1277T>A variant is predicted to result in premature protein termination (p.Leu426*). This variant has been reported in a patient with autosomal recessive primary ciliary dyskinesia (Duriez et al. 2007. PubMed ID: 17360648). This variant is reported in 0.043% of alleles in individuals of Latino descent in gnomAD. Nonsense variants in NME8 are expected to be pathogenic. This variant is interpreted as likely pathogenic.

OMIM
Classification: Pathogenic for CILIARY DYSKINESIA, PRIMARY, 6 (1 patient). Last evaluated: 2007-02-27. Review status: no assertion criteria provided. Collection method: literature only. Allele origin: germline. Not counted in ClinVar's aggregate classification.

GeneReviews
No classification provided. Condition: Primary ciliary dyskinesia 6. Review status: no classification provided. Collection method: literature only. Allele origin: unknown. Not counted in ClinVar's aggregate classification.

Literature cited by the submitters: PubMed 17360648 (cited by 3 submitters); PubMed 20301301 (cited by GeneReviews); NCBI Bookshelf NBK1122 (cited by GeneReviews).